The following is an entry in ClinVar:

NM_001134673.4(NFIA):c.1255-8_1255-7insGC

Gene: NFIA (nuclear factor I A; plus strand). Cytogenetic location: 1p31.3.
Variant type: Insertion.
Coding change: c.1255-8_1255-7insGC on transcript NM_001134673.4 (MANE Select); 8 bases into the intron before coding-DNA position 1255 through 7 bases into the intron before coding-DNA position 1255, GC inserted.
Molecular consequence: intron variant.
Genome position: GRCh38 VCF-style: chr1-61406553-C-CCG. GRCh37 (hg19) VCF-style: chr1-61872225-C-CCG.
Other names: c.1231-8_1231-7insGC (NM_001145511.2); c.1390-8_1390-7insGC (NM_001145512.2); c.1255-8_1255-7insGC (NM_005595.5, NM_005595.4).
Identifiers: ClinVar variation 3026432 (VCV003026432.23), dbSNP rs1553183273, ClinGen allele CA523753525.

ClinVar aggregate classification (germline): Uncertain significance. Review status: criteria provided, single submitter (1 of 4 stars). 2 submissions from 2 submitters: Uncertain significance (1). 1 of the submissions does not count toward it. Last evaluated 2024-02-01.

Conditions:
NFIA-Related Disorder. Also called: NFIA-related condition; NFIA-related disorders. Identifiers: MedGen CN381099.

Submissions (2):

CeGaT Center for Human Genetics Tuebingen
Classification: Uncertain significance. Last evaluated: 2024-02-01. Review status: criteria provided, single submitter. Criteria: CeGaT Center For Human Genetics Tuebingen Variant Classification Criteria Version 2. Collection method: clinical testing. Allele origin: germline. Affected: yes. Observed: 1 variant allele.
Comment: NFIA: PM2, BP4

PreventionGenetics, part of Exact Sciences
Classification: Likely benign for NFIA-related condition. Last evaluated: 2019-05-02. Review status: no assertion criteria provided. Collection method: clinical testing. Allele origin: germline. Not counted in ClinVar's aggregate classification.
Comment: This variant is classified as likely benign based on ACMG/AMP sequence variant interpretation guidelines (Richards et al. 2015 PMID: 25741868, with internal and published modifications).